The following is an entry in ClinVar:

ClinVar aggregate classification (germline): Likely benign (1 of 4 stars; one submission).

Allele frequency attached by ClinVar (database versions not stated): 1000 Genomes Project 30x 0.00328; ExAC 0.00498.

Submission:

CeGaT Center for Human Genetics Tuebingen
Classification: Likely benign. Last evaluated: 2025-02-01. Review status: criteria provided, single submitter. Criteria: CeGaT Center For Human Genetics Tuebingen Variant Classification Criteria Version 2. Collection method: clinical testing. Allele origin: germline. Affected: yes. Observed: 3 variant alleles.
Comment: FAHD2A: BP4, BP7

NM_016044.3(FAHD2A):c.195G>A (p.Thr65=)

Gene: FAHD2A (fumarylacetoacetate hydrolase domain containing 2A; plus strand). Cytogenetic location: 2q11.1.
Variant type: single nucleotide variant.
Coding change: c.195G>A on transcript NM_016044.3 (MANE Select); coding-DNA position 195, G replaced by A.
Protein change: p.Thr65=; no amino-acid change (threonine 65 retained).
Molecular consequence: synonymous variant.
Genome position (GRCh38, 1-based): chr2:95,405,753, G>A. VCF-style: chr2-95405753-G-A. GRCh37 (hg19) VCF-style: chr2-96071501-G-A.
Identifiers: ClinVar variation 2651120 (VCV002651120.24), dbSNP rs775718524, ClinGen allele CA1772457.